The following is an entry in ClinVar:

ClinVar aggregate classification (germline): Conflicting classifications of pathogenicity. Review status: criteria provided, conflicting classifications (1 of 4 stars). 2 submissions from 2 submitters: Uncertain significance (1); Likely benign (1). Last evaluated 2025-08-29.

Conditions:
Inborn genetic diseases. Identifiers: MedGen C0950123, MeSH D030342.

Allele frequency attached by ClinVar (database versions not stated): ExAC 0.00001; gnomAD 0.00001; gnomAD exomes 0.00001; TOPMed 0.00002.
gnomAD v4.1: 19 of 1,609,690 alleles (0.0012%); highest among the groups gnomAD compares: East Asian, 0.031%; no homozygotes.

Submissions (2):

Labcorp Genetics (formerly Invitae), Labcorp
Classification: Uncertain significance. Last evaluated: 2025-08-29. Review status: criteria provided, single submitter. Criteria: Invitae Variant Classification Sherloc (09022015). Collection method: clinical testing. Allele origin: germline.
Comment: This sequence change replaces glutamine, which is neutral and polar, with arginine, which is basic and polar, at codon 324 of the KATNB1 protein (p.Gln324Arg). This variant is present in population databases (rs782590255, gnomAD 0.05%). This variant has not been reported in the literature in individuals affected with KATNB1-related conditions. ClinVar contains an entry for this variant (Variation ID: 3112824). Invitae Evidence Modeling of protein sequence and biophysical properties (such as structural, functional, and spatial information, amino acid conservation, physicochemical variation, residue mobility, and thermodynamic stability) indicates that this missense variant is not expected to disrupt KATNB1 protein function with a negative predictive value of 95%. In summary, the available evidence is currently insufficient to determine the role of this variant in disease. Therefore, it has been classified as a Variant of Uncertain Significance.

Ambry Genetics
Classification: Likely benign for Inborn genetic diseases. Last evaluated: 2023-12-07. Review status: criteria provided, single submitter. Criteria: Ambry Variant Classification Scheme 2023. Collection method: clinical testing. Allele origin: germline.

NM_005886.3(KATNB1):c.971A>G (p.Gln324Arg)

Gene: KATNB1 (katanin regulatory subunit B1; plus strand). Cytogenetic location: 16q21.
Variant type: single nucleotide variant.
Coding change: c.971A>G on transcript NM_005886.3 (MANE Select); coding-DNA position 971, A replaced by G.
Protein change: p.Gln324Arg; replaces glutamine 324 with arginine.
Molecular consequence: missense variant.
Genome position (GRCh38, 1-based): chr16:57,753,192, A>G. VCF-style: chr16-57753192-A-G. GRCh37 (hg19) VCF-style: chr16-57787104-A-G.
Other names: short protein forms Q324R.
Identifiers: ClinVar variation 3112824 (VCV003112824.2), dbSNP rs782590255, ClinGen allele CA8080962.